The following is an entry in ClinVar:

NM_053025.4(MYLK):c.1658C>T (p.Pro553Leu)

Gene: MYLK (myosin light chain kinase; minus strand). Cytogenetic location: 3q21.1.
Variant type: single nucleotide variant.
Coding change: c.1658C>T on transcript NM_053025.4 (MANE Select); coding-DNA position 1658, C replaced by T.
Protein change: p.Pro553Leu; replaces proline 553 with leucine.
Molecular consequence: missense variant.
Genome position (GRCh38, 1-based): chr3:123,722,274, G>A on the plus strand (C>T on the coding strand, the complement: MYLK is on the minus strand). VCF-style: chr3-123722274-G-A. GRCh37 (hg19) VCF-style: chr3-123441121-G-A.
Other names: c.1130C>T, p.Pro377Leu (NM_001321309.2); c.1451C>T, p.Pro484Leu (NM_053026.4, NM_053028.4); c.1658C>T, p.Pro553Leu (NM_053027.4); short protein forms P484L, P377L, P553L.
Identifiers: ClinVar variation 948693 (VCV000948693.10), dbSNP rs757770546, ClinGen allele CA067381.

ClinVar aggregate classification (germline): Uncertain significance. Review status: criteria provided, multiple submitters, no conflicts (2 of 4 stars). 2 submissions from 2 submitters: Uncertain significance (2). Last evaluated 2025-12-20.

Conditions:
Aortic aneurysm, familial thoracic 7 (AAT7). Also called: AORTIC DISSECTION, FAMILIAL, WITH OR WITHOUT AORTIC ANEURYSM. Identifiers: MedGen C3151077, MONDO:0013418, OMIM 613780.
Familial thoracic aortic aneurysm and aortic dissection (TAAD). Also called: Thoracic aortic aneurysms and dissections. Identifiers: Orphanet 91387, MedGen C4707243, MONDO:0019625.

Allele frequency attached by ClinVar (database versions not stated): gnomAD exomes below 0.00001 and 0.00002; gnomAD 0.00001; TOPMed 0.00001; ExAC 0.00004.
gnomAD v4.1: 5 of 1,567,514 alleles (0.00032%); highest among the groups gnomAD compares: East Asian, 0.0095%; no homozygotes.

Submissions (2):

Labcorp Genetics (formerly Invitae), Labcorp
Classification: Uncertain significance for Aortic aneurysm, familial thoracic 7. Last evaluated: 2025-12-20. Review status: criteria provided, single submitter. Criteria: Invitae Variant Classification Sherloc (09022015). Collection method: clinical testing. Allele origin: germline.
Comment: This sequence change replaces proline, which is neutral and non-polar, with leucine, which is neutral and non-polar, at codon 553 of the MYLK protein (p.Pro553Leu). This variant is present in population databases (rs757770546, gnomAD 0.02%). This variant has not been reported in the literature in individuals affected with MYLK-related conditions. ClinVar contains an entry for this variant (Variation ID: 948693). Invitae Evidence Modeling of protein sequence and biophysical properties (such as structural, functional, and spatial information, amino acid conservation, physicochemical variation, residue mobility, and thermodynamic stability) indicates that this missense variant is not expected to disrupt MYLK protein function with a negative predictive value of 80%. In summary, the available evidence is currently insufficient to determine the role of this variant in disease. Therefore, it has been classified as a Variant of Uncertain Significance.

Ambry Genetics
Classification: Uncertain significance for Familial thoracic aortic aneurysm and aortic dissection. Last evaluated: 2024-10-08. Review status: criteria provided, single submitter. Criteria: Ambry Variant Classification Scheme 2023. Collection method: clinical testing. Allele origin: germline.
Comment: The p.P553L variant (also known as c.1658C>T), located in coding exon 10 of the MYLK gene, results from a C to T substitution at nucleotide position 1658. The proline at codon 553 is replaced by leucine, an amino acid with similar properties. This amino acid position is conserved. In addition, this alteration is predicted to be tolerated by in silico analysis. Based on the available evidence, the clinical significance of this variant remains unclear.